The following is an entry in ClinVar:

ClinVar aggregate classification (germline): Pathogenic (1 of 4 stars; one submission).

Submission:

Labcorp Genetics (formerly Invitae), Labcorp
Classification: Pathogenic. Last evaluated: 2025-01-18. Review status: criteria provided, single submitter. Criteria: Invitae Variant Classification Sherloc (09022015). Collection method: clinical testing. Allele origin: germline.
Comment: This sequence change creates a premature translational stop signal (p.Asp141Glyfs*12) in the GPR179 gene. It is expected to result in an absent or disrupted protein product. Loss-of-function variants in GPR179 are known to be pathogenic (PMID: 22325361, 22325362). This variant is not present in population databases (gnomAD no frequency). This variant has not been reported in the literature in individuals affected with GPR179-related conditions. ClinVar contains an entry for this variant (Variation ID: 2104695). Algorithms developed to predict the effect of sequence changes on RNA splicing suggest that this variant may create or strengthen a splice site. For these reasons, this variant has been classified as Pathogenic.

Literature cited by the submitters: PubMed 22325361; PubMed 22325362.

NM_001004334.4(GPR179):c.416dup (p.Asp141fs)

Gene: GPR179 (G protein-coupled receptor 179; minus strand). Cytogenetic location: 17q12.
Variant type: Duplication.
Coding change: c.416dup on transcript NM_001004334.4 (MANE Select); coding-DNA position 416, one base duplicated (A; older notation c.416dupA).
Protein change: p.Asp141fs; shifts the reading frame from aspartic acid 141.
Molecular consequence: frameshift variant.
Genome position (GRCh38, 1-based): chr17:38,343,374, T duplicated on the plus strand (A on the coding strand, the reverse complement: GPR179 is on the minus strand). VCF-style (leftmost placement, unchanged base first): chr17-38343373-C-CT. GRCh37 (hg19) VCF-style: chr17-36499256-C-CT.
Other names: short protein forms D141fs.
Identifiers: ClinVar variation 2104695 (VCV002104695.4), dbSNP rs2512176050, ClinGen allele CA2580093628.